The following is an entry in ClinVar:

ClinVar aggregate classification (germline): Pathogenic (1 of 4 stars; one submission).

Conditions:
Vici syndrome (VICIS). Identifiers: Orphanet 1493, MedGen C1855772, MONDO:0009452, OMIM 242840.

Submission:

Labcorp Genetics (formerly Invitae), Labcorp
Classification: Pathogenic for Vici syndrome. Last evaluated: 2022-12-10. Review status: criteria provided, single submitter. Criteria: Invitae Variant Classification Sherloc (09022015). Collection method: clinical testing. Allele origin: germline.
Comment: For these reasons, this variant has been classified as Pathogenic. This variant has not been reported in the literature in individuals affected with EPG5-related conditions. This variant is not present in population databases (gnomAD no frequency). This sequence change creates a premature translational stop signal (p.Asp1887Alafs*15) in the EPG5 gene. It is expected to result in an absent or disrupted protein product. Loss-of-function variants in EPG5 are known to be pathogenic (PMID: 23222957, 23674064).

Literature cited by the submitters: PubMed 23222957; PubMed 23674064.

NM_020964.3(EPG5):c.5660_5664del (p.Asp1887fs)

Gene: EPG5 (ectopic P-granules 5 autophagy tethering factor; minus strand). Cytogenetic location: 18q12.3.
Variant type: Deletion.
Coding change: c.5660_5664del on transcript NM_020964.3 (MANE Select); coding-DNA positions 5660 to 5664, 5 bases deleted (ACAAG; older notation c.5660_5664delACAAG).
Protein change: p.Asp1887fs; shifts the reading frame from aspartic acid 1887.
Molecular consequence: frameshift variant.
Genome position (GRCh38, 1-based): chr18:45,880,078-45,880,082, CTTGT deleted on the plus strand (ACAAG on the coding strand, the reverse complement: EPG5 is on the minus strand); deleting any 5 consecutive bases within chr18:45,880,078-45,880,084 gives the same sequence; the c. name uses the placement nearest the transcript's 3' end. VCF-style (leftmost placement, unchanged base first): chr18-45880077-GCTTGT-G. GRCh37 (hg19) VCF-style: chr18-43460042-GCTTGT-G.
Other names: c.5660_5664del, p.Asp1887fs (NM_001410858.1, NM_001410859.1); short protein forms D1887fs.
Identifiers: ClinVar variation 2816083 (VCV002816083.3), dbSNP rs2511575856, ClinGen allele CA2739268682.